The following is an entry in ClinVar:

ClinVar aggregate classification (germline): Likely pathogenic (1 of 4 stars; one submission).

Conditions:
Developmental and epileptic encephalopathy, 9 (DEE9). Also called: PCDH19-Related X-Linked Female-Limited Epilepsy with Mental Retardation; Early infantile epileptic encephalopathy 9; EPILEPSY, FEMALE-RESTRICTED, WITH MENTAL RETARDATION; JUBERG-HELLMAN SYNDROME. Identifiers: Orphanet 101039, Orphanet 2076, MedGen C1848137, MONDO:0010246, OMIM 300088. Disease mechanism: loss of function.

Submission:

Labcorp Genetics (formerly Invitae), Labcorp
Classification: Likely pathogenic for Early infantile epileptic encephalopathy 9. Last evaluated: 2018-10-16. Review status: criteria provided, single submitter. Criteria: Invitae Variant Classification Sherloc (09022015). Collection method: clinical testing. Allele origin: germline.
Comment: This variant is a deletion of the genomic region encompassing part of exon 1 and all of exons 2-3 of the PCDH19 gene. It is expected to disrupt RNA splicing and likely results in an absent or disrupted protein product. This specific variant has not been reported in the literature in individuals with PCDH19-related disease, although a similar deletion encompassing exons 1-3 has been reported in an individual with epilepsy (PMID: 21053371). Loss-of-function variants in PCDH19 are known to be pathogenic (PMID: 21053371). In summary, the currently available evidence indicates that the variant is pathogenic, but additional data are needed to prove that conclusively. Therefore, this variant has been classified as Likely Pathogenic.

Literature cited by the submitters: PubMed 21053371.

NM_001184880.1(PCDH19):c.79_2616+17371del

Genes: PCDH19 (protocadherin 19; minus strand), LOC125467768 (CDK7 strongly-dependent group 2 enhancer GRCh37_chrX:99657381-99658580; plus strand). Cytogenetic location: Xq22.1.
Variant type: Deletion.
Coding change: c.79_2616+17371del on transcript NM_001184880.1; coding-DNA position 79 through 17371 bases into the intron after coding-DNA position 2616, this stretch deleted.
Identifiers: ClinVar variation 661243 (VCV000661243.1).